The following is an entry in ClinVar:

NM_015046.7(SETX):c.1948A>G (p.Met650Val)

Gene: SETX (senataxin; minus strand). Cytogenetic location: 9q34.13.
Variant type: single nucleotide variant.
Coding change: c.1948A>G on transcript NM_015046.7 (MANE Select); coding-DNA position 1948, A replaced by G.
Protein change: p.Met650Val; replaces methionine 650 with valine.
Molecular consequence: missense variant.
Genome position (GRCh38, 1-based): chr9:132,329,650, T>C on the plus strand (A>G on the coding strand, the complement: SETX is on the minus strand). VCF-style: chr9-132329650-T-C. GRCh37 (hg19) VCF-style: chr9-135205037-T-C.
Other names: c.1948A>G, p.Met650Val (NM_001351527.2, NM_001351528.2); short protein forms M650V.
Identifiers: ClinVar variation 2155511 (VCV002155511.5), dbSNP rs115701916, ClinGen allele CA5297690.

ClinVar aggregate classification (germline): Conflicting classifications of pathogenicity. Review status: criteria provided, conflicting classifications (1 of 4 stars). 2 submissions from 2 submitters: Uncertain significance (1); Benign (1). Last evaluated 2023-10-18.

Conditions:
Amyotrophic lateral sclerosis type 4 (ALS4). Also called: AMYOTROPHIC LATERAL SCLEROSIS 4, JUVENILE; NEURONOPATHY, DISTAL HEREDITARY MOTOR, WITH PYRAMIDAL FEATURES. Identifiers: Orphanet 357043, MedGen C1865409, MONDO:0011223, OMIM 602433.
Spinocerebellar ataxia, autosomal recessive, with axonal neuropathy 2 (SCAN2). Also called: ATAXIA-OCULOMOTOR APRAXIA 2; Ataxia-ocular apraxia-2; Ataxia with Oculomotor Apraxia; Ataxia with Oculomotor Apraxia Type 2. Identifiers: Orphanet 64753, MedGen C1853761, MONDO:0018996, OMIM 606002.

Allele frequency attached by ClinVar (database versions not stated): gnomAD 0.00001; gnomAD exomes 0.00001; TOPMed 0.00001; ExAC 0.00002; 1000 Genomes Project 0.00020; 1000 Genomes Project 30x 0.00031.
gnomAD v4.1: 19 of 1,613,804 alleles (0.0012%); highest among the groups gnomAD compares: South Asian, 0.0022%; no homozygotes.

Submissions (2):

Women's Health and Genetics/Laboratory Corporation of America, LabCorp
Classification: Uncertain significance. Last evaluated: 2023-10-18. Review status: criteria provided, single submitter. Criteria: LabCorp Variant Classification Summary - May 2015. Collection method: clinical testing. Allele origin: germline.
Comment: Variant summary: SETX c.1948A>G (p.Met650Val) results in a conservative amino acid change in the encoded protein sequence. Five of five in-silico tools predict a benign effect of the variant on protein function. The variant allele was found at a frequency of 1.2e-05 in 250502 control chromosomes. The available data on variant occurrences in the general population are insufficient to allow any conclusion about variant significance. To our knowledge, no occurrence of c.1948A>G in individuals affected with Amyotrophic Lateral Sclerosis Type 4 and no experimental evidence demonstrating its impact on protein function have been reported. One submitter has cited clinical-significance assessments for this variant to ClinVar after 2014 and has classified the variant as benign. Based on the evidence outlined above, the variant was classified as uncertain significance.

Labcorp Genetics (formerly Invitae), Labcorp
Classification: Benign for Amyotrophic lateral sclerosis type 4; Spinocerebellar ataxia, autosomal recessive, with axonal neuropathy 2. Last evaluated: 2022-11-22. Review status: criteria provided, single submitter. Criteria: Invitae Variant Classification Sherloc (09022015). Collection method: clinical testing. Allele origin: germline.